The following is an entry in ClinVar:

NM_019032.6(ADAMTSL4):c.26G>C (p.Trp9Ser)

Genes: ADAMTSL4 (ADAMTS like 4; plus strand), ADAMTSL4-AS2 (ADAMTSL4 antisense RNA 2; minus strand). Cytogenetic location: 1q21.2.
Variant type: single nucleotide variant.
Coding change: c.26G>C on transcript NM_019032.6 (MANE Select); coding-DNA position 26, G replaced by C.
Protein change: p.Trp9Ser; replaces tryptophan 9 with serine.
Molecular consequence: missense variant.
Genome position (GRCh38, 1-based): chr1:150,552,548, G>C. VCF-style: chr1-150552548-G-C. GRCh37 (hg19) VCF-style: chr1-150525024-G-C.
Other names: c.26G>C, p.Trp9Ser (NM_001288607.2, NM_001288608.2, NM_001378596.1 and 1 more transcripts); c.26G>C (NM_019032.5, NM_019032.4); short protein forms W9S.
Identifiers: ClinVar variation 2035173 (VCV002035173.5), dbSNP rs367669399, ClinGen allele CA1077858.
Genomic context (GRCh38, chr1:150,552,548, plus strand): 5'-GCAACACCCCCTCTGGCTCCAGTCTGACGTCCCTCCCCTGGCCTTTGGTTTGCAGGCCCT[G>C]GCTGTATCTGCTGCTGCTTCTGTCCCTCCCTCAGCTCTGCTTGGATCAGGAGGTGAGTTC-3'
Protein context (NP_061905.2, residues 1-19): MENWTGRP[Trp9Ser]LYLLLLLSLP

ClinVar aggregate classification (germline): Uncertain significance. Review status: criteria provided, multiple submitters, no conflicts (2 of 4 stars). 3 submissions from 3 submitters: Uncertain significance (2). 1 of the submissions does not count toward it. Last evaluated 2025-11-08.

Conditions:
ADAMTSL4-related disorder. Also called: ADAMTSL4-Related Disorders; ADAMTSL4-related condition.
Inborn genetic diseases. Identifiers: MedGen C0950123, MeSH D030342.

Allele frequency attached by ClinVar (database versions not stated): TOPMed 0.00006; gnomAD exomes below 0.00001; ExAC 0.00001; gnomAD 0.00005; ESP Exome Variant Server 0.00008.
gnomAD v4.1: 16 of 1,613,906 alleles (0.00099%); highest among the groups gnomAD compares: African/African-American, 0.017%; no homozygotes.

Submissions (3):

Ambry Genetics
Classification: Uncertain significance for Inborn genetic diseases. Last evaluated: 2025-11-08. Review status: criteria provided, single submitter. Criteria: Ambry Variant Classification Scheme 2023. Collection method: clinical testing. Allele origin: germline.

Labcorp Genetics (formerly Invitae), Labcorp
Classification: Uncertain significance. Last evaluated: 2025-08-10. Review status: criteria provided, single submitter. Criteria: Invitae Variant Classification Sherloc (09022015). Collection method: clinical testing. Allele origin: germline.
Comment: This sequence change replaces tryptophan, which is neutral and slightly polar, with serine, which is neutral and polar, at codon 9 of the ADAMTSL4 protein (p.Trp9Ser). This variant is present in population databases (rs367669399, gnomAD 0.008%). This variant has not been reported in the literature in individuals affected with ADAMTSL4-related conditions. ClinVar contains an entry for this variant (Variation ID: 2035173). Invitae Evidence Modeling of protein sequence and biophysical properties (such as structural, functional, and spatial information, amino acid conservation, physicochemical variation, residue mobility, and thermodynamic stability) indicates that this missense variant is not expected to disrupt ADAMTSL4 protein function with a negative predictive value of 80%. In summary, the available evidence is currently insufficient to determine the role of this variant in disease. Therefore, it has been classified as a Variant of Uncertain Significance.

PreventionGenetics, part of Exact Sciences
Classification: Uncertain significance for ADAMTSL4-related condition. Last evaluated: 2024-06-28. Review status: no assertion criteria provided. Collection method: clinical testing. Allele origin: germline. Not counted in ClinVar's aggregate classification.
Comment: The ADAMTSL4 c.26G>C variant is predicted to result in the amino acid substitution p.Trp9Ser. To our knowledge, this variant has not been reported in the literature. This variant is reported in 0.0080% of alleles in individuals of African descent in gnomAD. At this time, the clinical significance of this variant is uncertain due to the absence of conclusive functional and genetic evidence.